The following is an entry in ClinVar:

NM_017739.4(POMGNT1):c.752-2A>G

Genes: POMGNT1 (protein O-linked mannose N-acetylglucosaminyltransferase 1 (beta 1,2-); minus strand), TSPAN1 (tetraspanin 1; plus strand). Cytogenetic location: 1p34.1.
Variant type: single nucleotide variant.
Coding change: c.752-2A>G on transcript NM_017739.4 (MANE Select); the canonical splice acceptor site of the intron before coding-DNA position 752, A replaced by G.
Molecular consequence: splice acceptor variant.
Genome position (GRCh38, 1-based): chr1:46,194,403, T>C on the plus strand (A>G on the coding strand, the complement: POMGNT1 is on the minus strand). VCF-style: chr1-46194403-T-C. GRCh37 (hg19) VCF-style: chr1-46660075-T-C.
Other names: c.752-2A>G (NM_017739.3, NM_001243766.2, NM_001438686.1 and 4 more transcripts); c.686-2A>G (NM_001290129.3, NM_001438691.1, NM_001438692.1); c.323-2A>G (NM_001290130.2).
Identifiers: ClinVar variation 1473137 (VCV001473137.9), dbSNP rs1236287516, ClinGen allele CA340183587.

ClinVar aggregate classification (germline): Conflicting classifications of pathogenicity. Review status: criteria provided, conflicting classifications (1 of 4 stars). 4 submissions from 4 submitters: Likely pathogenic (3); Uncertain significance (1). Last evaluated 2025-06-26.

Conditions:
Muscular dystrophy-dystroglycanopathy. Also called: Congenital muscular dystrophy due to dystroglycanopathy. Identifiers: Orphanet 370953, MedGen C5679911, MONDO:0018276.
Muscle eye brain disease (MEB). Also called: Santavuori congenital muscular dystrophy. Identifiers: Orphanet 588, Orphanet 899, MedGen C0457133, MONDO:0018939.
Muscular dystrophy-dystroglycanopathy (congenital with brain and eye anomalies), type A3. Also called: Congenital muscular dystrophy-dystroglycanopathy with brain and eye anomalies, type A3; Muscular dystrophy-dystroglycanopathy (congenital with brain and eye anomalies), type A, 3; WALKER-WARBURG SYNDROME OR MUSCLE-EYE-BRAIN DISEASE, POMGNT1-RELATED. Identifiers: MedGen C3151519, MONDO:0009667, OMIM 253280.
Autosomal recessive limb-girdle muscular dystrophy type 2O. Also called: Limb-Girdle Muscular Dystrophy Type 3C; MUSCULAR DYSTROPHY-DYSTROGLYCANOPATHY (LIMB-GIRDLE), TYPE C, 3; MUSCULAR DYSTROPHY-DYSTROGLYCANOPATHY, LIMB-GIRDLE, POMGNT1-RELATED. Identifiers: Orphanet 206564, MedGen C3150417, MONDO:0013161, OMIM 613157.
Muscular dystrophy-dystroglycanopathy (congenital with impaired intellectual development), type B, 3. Also called: Muscular dystrophy-dystroglycanopathy (congenital with intellectual disability), type B3; MUSCULAR DYSTROPHY, CONGENITAL, POMGNT1-RELATED. Identifiers: MedGen C3150412, MONDO:0013155, OMIM 613151.

Allele frequency attached by ClinVar (database versions not stated): gnomAD exomes below 0.00001; TOPMed below 0.00001.
gnomAD v4.1: 2 of 1,614,182 alleles (0.00012%); highest among the groups gnomAD compares: East Asian, 0.0045%; no homozygotes.

Submissions (4):

Natera, Inc.
Classification: Likely pathogenic for Muscle-eye-brain disease. Last evaluated: 2025-06-26. Review status: criteria provided, single submitter. Criteria: Natera Variant Classification Schema (03/2026). Collection method: clinical testing. Allele origin: germline.
Comment: The c.752-2A>G variant in POMGNT1 is a canonical splice acceptor site variant predicted to affect pre-mRNA splicing, which may result in an abnormal transcript and altered protein product. This variant is expected to result in nonsense mediated decay, truncation, or a dysfunctional protein product. This variant is rare in the general population with a frequency below the threshold expected for the associated phenotype(s). Given the available evidence, this variant is classified as Likely Pathogenic.

Baylor Genetics
Classification: Likely pathogenic for Muscular dystrophy-dystroglycanopathy (congenital with brain and eye anomalies), type A3. Last evaluated: 2024-03-12. Review status: criteria provided, single submitter. Criteria: ACMG Guidelines, 2015. Collection method: clinical testing. Allele origin: unknown.

Labcorp Genetics (formerly Invitae), Labcorp
Classification: Likely pathogenic for Autosomal recessive limb-girdle muscular dystrophy type 2O; Muscular dystrophy-dystroglycanopathy (congenital with impaired intellectual development), type B, 3. Last evaluated: 2023-05-19. Review status: criteria provided, single submitter. Criteria: Invitae Variant Classification Sherloc (09022015). Collection method: clinical testing. Allele origin: germline.
Comment: ClinVar contains an entry for this variant (Variation ID: 1473137). This sequence change affects an acceptor splice site in intron 8 of the POMGNT1 gene. It is expected to disrupt RNA splicing. Variants that disrupt the donor or acceptor splice site typically lead to a loss of protein function (PMID: 16199547), and loss-of-function variants in POMGNT1 are known to be pathogenic (PMID: 19299310, 20816175, 21447391, 26908613, 27391550). This variant is present in population databases (no rsID available, gnomAD 0.006%). This variant has not been reported in the literature in individuals affected with POMGNT1-related conditions. Algorithms developed to predict the effect of sequence changes on RNA splicing suggest that this variant may disrupt the consensus splice site. In summary, the currently available evidence indicates that the variant is pathogenic, but additional data are needed to prove that conclusively. Therefore, this variant has been classified as Likely Pathogenic.

Broad Center for Mendelian Genomics, Broad Institute of MIT and Harvard
Classification: Uncertain significance for Muscular dystrophy-dystroglycanopathy. Last evaluated: 2023-01-24. Review status: criteria provided, single submitter. Criteria: ACMG Guidelines, 2015. Collection method: curation. Allele origin: germline. Inheritance: Autosomal recessive inheritance.
Comment: The c.752-2A>G variant in POMGNT1 has not been previously reported in the literature in individuals with POMGNT1-associated muscular dystrophy-dystroglycanopathy, but has been identified in 0.005% (1/18394) of East Asian chromosomes by the Genome Aggregation Database (gnomAD; dbSNP ID: rs1236287516). Although this variant has been seen in the general population in a heterozygous state, its frequency is low enough to be consistent with a recessive carrier frequency. This variant has also been reported in ClinVar (Variation ID#1473137) and has been interpreted as likely pathogenic by Invitae. This variant is located in the 3' splice region. Computational tools predict a splicing impact, though this information is not predictive enough to determine pathogenicity. There is an in-frame cryptic splice site 6 bases from the intron-exon boundary, providing evidence that this variant may add 3 amino acids instead of causing loss of function. However, this information is not predictive enough to determine pathogenicity. In summary, the clinical significance of the c.752-2A>G variant is uncertain. ACMG/AMP Criteria applied: PVS1_strong, PM2_Supporting (Richards 2015).

Literature cited by the submitters: PubMed 16199547 (cited by Labcorp Genetics (formerly Invitae), Labcorp); PubMed 19299310 (cited by Labcorp Genetics (formerly Invitae), Labcorp); PubMed 20816175 (cited by Labcorp Genetics (formerly Invitae), Labcorp); PubMed 21447391 (cited by Labcorp Genetics (formerly Invitae), Labcorp); PubMed 26908613 (cited by Labcorp Genetics (formerly Invitae), Labcorp); PubMed 27391550 (cited by Labcorp Genetics (formerly Invitae), Labcorp).